The following is an entry in ClinVar:

ClinVar aggregate classification (germline): Uncertain significance (1 of 4 stars; one submission).

Submission:

GeneDx
Classification: Uncertain significance. Last evaluated: 2023-02-08. Review status: criteria provided, single submitter. Criteria: GeneDx Variant Classification Process June 2021. Collection method: clinical testing. Allele origin: germline. Affected: yes.
Comment: Not observed at significant frequency in large population cohorts (gnomAD); In silico analysis supports that this missense variant does not alter protein structure/function; Has not been previously published as pathogenic or benign to our knowledge; Variants in candidate genes are classified as variants of uncertain significance in accordance with ACMG guidelines (Richards et al., 2015)

NM_001178015.2(SLC4A10):c.979C>G (p.Pro327Ala)

Gene: SLC4A10 (solute carrier family 4 member 10; plus strand). Cytogenetic location: 2q24.2.
Variant type: single nucleotide variant.
Coding change: c.979C>G on transcript NM_001178015.2 (MANE Select); coding-DNA position 979, C replaced by G.
Protein change: p.Pro327Ala; replaces proline 327 with alanine.
Molecular consequence: missense variant.
Genome position (GRCh38, 1-based): chr2:161,879,161, C>G. VCF-style: chr2-161879161-C-G. GRCh37 (hg19) VCF-style: chr2-162735671-C-G.
Other names: c.922C>G, p.Pro308Ala (NM_001178016.2, NM_001354445.2); c.979C>G, p.Pro327Ala (NM_001354440.2); c.1012C>G, p.Pro338Ala (NM_001354441.2, NM_001354442.2); c.925C>G, p.Pro309Ala (NM_001354443.2, NM_001354447.2); c.976C>G, p.Pro326Ala (NM_001354444.2); c.889C>G, p.Pro297Ala (NM_001354446.2, NM_001354450.2, NM_022058.4); c.919C>G, p.Pro307Ala (NM_001354448.2); c.886C>G, p.Pro296Ala (NM_001354449.2, NM_001354451.2); and 3 more; short protein forms P104A, P248A, P296A, P297A, P307A, P308A, P309A, P326A.
Identifiers: ClinVar variation 2575562 (VCV002575562.1), dbSNP rs2061603947, ClinGen allele CA348977368.